The following is an entry in ClinVar:

ClinVar aggregate classification (germline): Uncertain significance. Review status: criteria provided, multiple submitters, no conflicts (2 of 4 stars). 2 submissions from 2 submitters: Uncertain significance (2). Last evaluated 2022-03-12.

Conditions:
Cardiovascular phenotype. Identifiers: MedGen CN230736.
Hypertrophic cardiomyopathy 14. Identifiers: MedGen C2750467, MONDO:0013197, OMIM 613251.

Submissions (2):

Ambry Genetics
Classification: Uncertain significance for Cardiovascular phenotype. Last evaluated: 2022-03-12. Review status: criteria provided, single submitter. Criteria: Ambry Variant Classification Scheme 2023. Collection method: clinical testing. Allele origin: germline.
Comment: The p.R29L variant (also known as c.86G>T), located in coding exon 1 of the MYH6 gene, results from a G to T substitution at nucleotide position 86. The arginine at codon 29 is replaced by leucine, an amino acid with dissimilar properties. This amino acid position is conserved. In addition, the in silico prediction for this alteration is inconclusive. Since supporting evidence is limited at this time, the clinical significance of this alteration remains unclear.

Labcorp Genetics (formerly Invitae), Labcorp
Classification: Uncertain significance for Hypertrophic cardiomyopathy 14. Last evaluated: 2021-07-04. Review status: criteria provided, single submitter. Criteria: Invitae Variant Classification Sherloc (09022015). Collection method: clinical testing. Allele origin: germline.
Comment: In summary, the available evidence is currently insufficient to determine the role of this variant in disease. Therefore, it has been classified as a Variant of Uncertain Significance. Algorithms developed to predict the effect of missense changes on protein structure and function are either unavailable or do not agree on the potential impact of this missense change (SIFT: "Deleterious"; PolyPhen-2: "Possibly Damaging"; Align-GVGD: "Class C0"). This variant has not been reported in the literature in individuals with MYH6-related conditions. This variant is not present in population databases (ExAC no frequency). This sequence change replaces arginine with leucine at codon 29 of the MYH6 protein (p.Arg29Leu). The arginine residue is weakly conserved and there is a moderate physicochemical difference between arginine and leucine.

NM_002471.4(MYH6):c.86G>T (p.Arg29Leu)

Genes: MYH6 (myosin heavy chain 6; minus strand), LOC114827851 (VISTA enhancer hs2155; plus strand). Cytogenetic location: 14q11.2.
Variant type: single nucleotide variant.
Coding change: c.86G>T on transcript NM_002471.4 (MANE Select); coding-DNA position 86, G replaced by T.
Protein change: p.Arg29Leu; replaces arginine 29 with leucine.
Molecular consequence: missense variant.
Genome position (GRCh38, 1-based): chr14:23,407,138, C>A on the plus strand (G>T on the coding strand, the complement: MYH6 is on the minus strand). VCF-style: chr14-23407138-C-A. GRCh37 (hg19) VCF-style: chr14-23876347-C-A.
Other names: short protein forms R29L.
Identifiers: ClinVar variation 944758 (VCV000944758.11), dbSNP rs150574114, ClinGen allele CA389032098.